The following is an entry in ClinVar:

ClinVar aggregate classification (germline): Pathogenic (1 of 4 stars; one submission).

Conditions:
Charcot-Marie-Tooth disease axonal type 2C (HMSN2C). Also called: Charcot-Marie-Tooth Disease Type 2, TRPV4-Related (CMT2C); CHARCOT-MARIE-TOOTH DISEASE, AXONAL, AUTOSOMAL DOMINANT, TYPE 2C; Charcot-Marie-Tooth Neuropathy Type 2C. Identifiers: Orphanet 99937, MedGen C1853710, MONDO:0011633, OMIM 606071.

Allele frequency attached by ClinVar (database versions not stated): gnomAD exomes below 0.00001.
gnomAD v4.1: 1 of 1,613,990 alleles (0.000062%); highest among the groups gnomAD compares: African/African-American, 0.0013%; no homozygotes.

Submission:

Labcorp Genetics (formerly Invitae), Labcorp
Classification: Pathogenic for Charcot-Marie-Tooth disease axonal type 2C. Last evaluated: 2022-11-22. Review status: criteria provided, single submitter. Criteria: Invitae Variant Classification Sherloc (09022015). Collection method: clinical testing. Allele origin: germline.
Comment: This sequence change replaces phenylalanine, which is neutral and non-polar, with leucine, which is neutral and non-polar, at codon 617 of the TRPV4 protein (p.Phe617Leu). For these reasons, this variant has been classified as Pathogenic. Experimental studies have shown that this missense change affects TRPV4 function (PMID: 24342753). Advanced modeling of protein sequence and biophysical properties (such as structural, functional, and spatial information, amino acid conservation, physicochemical variation, residue mobility, and thermodynamic stability) has been performed at Invitae for this missense variant, however the output from this modeling did not meet the statistical confidence thresholds required to predict the impact of this variant on TRPV4 protein function. ClinVar contains an entry for this variant (Variation ID: 1453327). This missense change has been observed in individual(s) with metatropic dysplasia (PMID: 20425821, 26377240). In at least one individual the variant was observed to be de novo. This variant is not present in population databases (gnomAD no frequency).

Literature cited by the submitters: PubMed 24342753; PubMed 20425821; PubMed 26377240.

NM_021625.5(TRPV4):c.1849T>C (p.Phe617Leu)

Gene: TRPV4 (transient receptor potential cation channel subfamily V member 4; minus strand). Cytogenetic location: 12q24.11.
Variant type: single nucleotide variant.
Coding change: c.1849T>C on transcript NM_021625.5 (MANE Select); coding-DNA position 1849, T replaced by C.
Protein change: p.Phe617Leu; replaces phenylalanine 617 with leucine.
Molecular consequence: missense variant.
Genome position (GRCh38, 1-based): chr12:109,792,405, A>G on the plus strand (T>C on the coding strand, the complement: TRPV4 is on the minus strand). VCF-style: chr12-109792405-A-G. GRCh37 (hg19) VCF-style: chr12-110230210-A-G.
Other names: c.1708T>C, p.Phe570Leu (NM_001177428.2); c.1747T>C, p.Phe583Leu (NM_001177431.2); c.1528T>C, p.Phe510Leu (NM_001177433.2); c.1669T>C, p.Phe557Leu (NM_147204.3); short protein forms F617L, F557L, F583L, F510L, F570L.
Identifiers: ClinVar variation 1453327 (VCV001453327.6), dbSNP rs2136466291, ClinGen allele CA386651803.